The following is an entry in ClinVar:

ClinVar aggregate classification (germline): Uncertain significance (1 of 4 stars; one submission).

Allele frequency attached by ClinVar (database versions not stated): gnomAD exomes below 0.00001 and 0.00001; TOPMed below 0.00001.

Submission:

Labcorp Genetics (formerly Invitae), Labcorp
Classification: Uncertain significance. Last evaluated: 2023-10-20. Review status: criteria provided, single submitter. Criteria: Invitae Variant Classification Sherloc (09022015). Collection method: clinical testing. Allele origin: germline.
Comment: This sequence change replaces threonine, which is neutral and polar, with arginine, which is basic and polar, at codon 250 of the SEMA4A protein (p.Thr250Arg). This variant is present in population databases (no rsID available, gnomAD 0.0009%). This variant has not been reported in the literature in individuals affected with SEMA4A-related conditions. ClinVar contains an entry for this variant (Variation ID: 1408705). Advanced modeling of protein sequence and biophysical properties (such as structural, functional, and spatial information, amino acid conservation, physicochemical variation, residue mobility, and thermodynamic stability) performed at Invitae indicates that this missense variant is not expected to disrupt SEMA4A protein function. In summary, the available evidence is currently insufficient to determine the role of this variant in disease. Therefore, it has been classified as a Variant of Uncertain Significance.

NM_022367.4(SEMA4A):c.749C>G (p.Thr250Arg)

Gene: SEMA4A (semaphorin 4A; plus strand). Cytogenetic location: 1q22.
Variant type: single nucleotide variant.
Coding change: c.749C>G on transcript NM_022367.4 (MANE Select); coding-DNA position 749, C replaced by G.
Protein change: p.Thr250Arg; replaces threonine 250 with arginine.
Molecular consequence: missense variant.
Genome position (GRCh38, 1-based): chr1:156,160,968, C>G. VCF-style: chr1-156160968-C-G. GRCh37 (hg19) VCF-style: chr1-156130759-C-G.
Other names: c.749C>G, p.Thr250Arg (NM_001193300.2, NM_001193301.2, NM_001370567.1); c.353C>G, p.Thr118Arg (NM_001193302.2); c.452C>G, p.Thr151Arg (NM_001370568.1); c.242C>G, p.Thr81Arg (NM_001370569.1, NM_001370571.1); short protein forms T81R, T118R, T151R, T250R.
Identifiers: ClinVar variation 1408705 (VCV001408705.8), dbSNP rs1237539320, ClinGen allele CA342838542.
Genomic context (GRCh38, chr1:156,160,968, plus strand): 5'-ACGCCTCCTTTGTGGCAGCCATCCCTTCGACCCAGGTCGTCTACTTCTTCTTCGAGGAGA[C>G]AGCCAGCGAGTTTGACTTCTTTGAGAGGCTCCACACATCGCGGGTGGCTAGAGTCTGCAA-3'
Protein context (NP_071762.2, residues 240-260): TQVVYFFFEE[Thr250Arg]ASEFDFFERL